The following is an entry in ClinVar:

NM_005419.4(STAT2):c.269T>C (p.Phe90Ser)

Gene: STAT2 (signal transducer and activator of transcription 2; minus strand). Cytogenetic location: 12q13.3.
Variant type: single nucleotide variant.
Coding change: c.269T>C on transcript NM_005419.4 (MANE Select); coding-DNA position 269, T replaced by C.
Protein change: p.Phe90Ser; replaces phenylalanine 90 with serine.
Molecular consequence: missense variant.
Genome position (GRCh38, 1-based): chr12:56,356,148, A>G on the plus strand (T>C on the coding strand, the complement: STAT2 is on the minus strand). VCF-style: chr12-56356148-A-G. GRCh37 (hg19) VCF-style: chr12-56749932-A-G.
Other names: c.269T>C, p.Phe90Ser (NM_001385110.1, NM_001385111.1, NM_001385113.1 and 3 more transcripts); short protein forms F90S.
Identifiers: ClinVar variation 1507288 (VCV001507288.5), dbSNP rs189335310, ClinGen allele CA237655767.
Genomic context (GRCh38, chr12:56,356,148, plus strand): 5'-TCAGCTCCCAGTGCTACCCCATCACTCCCAACCGTTCCAAGTACCTGAATGTCCCGGCAG[A>G]ATTTCCGCAAATTGTGCTGCAGCAACAAGGACTCTGGGTCCTGGCTGCAACGGCCACACT-3'
Protein context (NP_005410.1, residues 80-100): SLLLQHNLRK[Phe90Ser]CRDIQPFSQD

ClinVar aggregate classification (germline): Uncertain significance (1 of 4 stars; one submission).

Conditions:
Primary immunodeficiency with post-measles-mumps-rubella vaccine viral infection. Also called: Immunodeficiency 44. Identifiers: Orphanet 431166, MedGen C4225260, MONDO:0014715, OMIM 616636.

Allele frequency attached by ClinVar (database versions not stated): gnomAD exomes below 0.00001; gnomAD 0.00001 and 0.00002; TOPMed 0.00002; 1000 Genomes Project 30x 0.00016; 1000 Genomes Project 0.00020.
gnomAD v4.1: 15 of 1,614,120 alleles (0.00093%); highest among the groups gnomAD compares: East Asian, 0.033%; no homozygotes.

Submission:

Labcorp Genetics (formerly Invitae), Labcorp
Classification: Uncertain significance for Primary immunodeficiency with post-measles-mumps-rubella vaccine viral infection. Last evaluated: 2022-10-25. Review status: criteria provided, single submitter. Criteria: Invitae Variant Classification Sherloc (09022015). Collection method: clinical testing. Allele origin: germline.
Comment: This sequence change replaces phenylalanine, which is neutral and non-polar, with serine, which is neutral and polar, at codon 90 of the STAT2 protein (p.Phe90Ser). This variant is not present in population databases (gnomAD no frequency). This variant has not been reported in the literature in individuals affected with STAT2-related conditions. ClinVar contains an entry for this variant (Variation ID: 1507288). Advanced modeling of protein sequence and biophysical properties (such as structural, functional, and spatial information, amino acid conservation, physicochemical variation, residue mobility, and thermodynamic stability) performed at Invitae indicates that this missense variant is not expected to disrupt STAT2 protein function. In summary, the available evidence is currently insufficient to determine the role of this variant in disease. Therefore, it has been classified as a Variant of Uncertain Significance.